The following is an entry in ClinVar:

ClinVar aggregate classification (germline): Uncertain significance. Review status: criteria provided, multiple submitters, no conflicts (2 of 4 stars). 3 submissions from 3 submitters: Uncertain significance (3). Last evaluated 2025-11-17.

Conditions:
Rothmund-Thomson syndrome (RTS). Also called: Poikiloderma Congenitale; Poikiloderma of Rothmund-Thomson. Identifiers: Orphanet 2909, MedGen C0032339, MONDO:0010002.
Rapadilino syndrome. Identifiers: Orphanet 3021, MedGen C1849453, MONDO:0009955, OMIM 266280.
Baller-Gerold syndrome (BGS). Also called: CRANIOSYNOSTOSIS WITH RADIAL DEFECTS. Identifiers: Orphanet 1225, MedGen C0265308, MONDO:0009039, OMIM 218600.

Allele frequency attached by ClinVar (database versions not stated): gnomAD below 0.00001 and 0.00003; TOPMed 0.00002; gnomAD exomes 0.00005 and 0.00009; ExAC 0.00016; ESP Exome Variant Server 0.00016; 1000 Genomes Project 0.00020; 1000 Genomes Project 30x 0.00078.
gnomAD v4.1: 77 of 1,563,552 alleles (0.0049%); highest among the groups gnomAD compares: South Asian, 0.044%; no homozygotes.

Submissions (3):

Labcorp Genetics (formerly Invitae), Labcorp
Classification: Uncertain significance for Baller-Gerold syndrome. Last evaluated: 2025-11-17. Review status: criteria provided, single submitter. Criteria: Invitae Variant Classification Sherloc (09022015). Collection method: clinical testing. Allele origin: germline.
Comment: This sequence change replaces arginine, which is basic and polar, with histidine, which is basic and polar, at codon 829 of the RECQL4 protein (p.Arg829His). This variant is present in population databases (rs375250269, gnomAD 0.07%). This variant has not been reported in the literature in individuals affected with RECQL4-related conditions. ClinVar contains an entry for this variant (Variation ID: 529019). Invitae Evidence Modeling of protein sequence and biophysical properties (such as structural, functional, and spatial information, amino acid conservation, physicochemical variation, residue mobility, and thermodynamic stability) indicates that this missense variant is expected to disrupt RECQL4 protein function with a positive predictive value of 80%. In summary, the available evidence is currently insufficient to determine the role of this variant in disease. Therefore, it has been classified as a Variant of Uncertain Significance.

GeneDx
Classification: Uncertain significance. Last evaluated: 2022-07-07. Review status: criteria provided, single submitter. Criteria: GeneDx Variant Classification Process June 2021. Collection method: clinical testing. Allele origin: germline. Affected: yes.
Comment: In silico analysis supports that this missense variant has a deleterious effect on protein structure/function; Has not been previously published as pathogenic or benign to our knowledge

Fulgent Genetics
Classification: Uncertain significance for Baller-Gerold syndrome; Rapadilino syndrome; Rothmund-Thomson syndrome type 2. Last evaluated: 2018-10-31. Review status: criteria provided, single submitter. Criteria: ACMG Guidelines, 2015. Collection method: clinical testing. Allele origin: unknown.

NM_004260.4(RECQL4):c.2486G>A (p.Arg829His)

Gene: RECQL4 (RecQ like helicase 4; minus strand). Cytogenetic location: 8q24.3.
Variant type: single nucleotide variant.
Coding change: c.2486G>A on transcript NM_004260.4 (MANE Select); coding-DNA position 2486, G replaced by A.
Protein change: p.Arg829His; replaces arginine 829 with histidine.
Molecular consequence: missense variant.
Genome position (GRCh38, 1-based): chr8:144,513,116, C>T on the plus strand (G>A on the coding strand, the complement: RECQL4 is on the minus strand). VCF-style: chr8-144513116-C-T. GRCh37 (hg19) VCF-style: chr8-145738499-C-T.
Other names: short protein forms R829H.
Identifiers: ClinVar variation 529019 (VCV000529019.11), dbSNP rs375250269, ClinGen allele CA4948222.
Genomic context (GRCh38, chr8:144,513,116, plus strand): 5'-ACGCGCTGTACCAGCCTCTTCACAGCCAGGAAGTCCGTGCTGTCGGCGTGCACATGTCTG[C>T]GCAGCTCTCGCAGGTCTTCGCCCTGCAGGGCAACTTTCATGAGGGTGGGGTGGACCACTG-3'
Protein context (NP_004251.4, residues 819-839): QPQGEDLREL[Arg829His]RHVHADSTDF